The following is an entry in ClinVar:

ClinVar aggregate classification (germline): Uncertain significance (1 of 4 stars; one submission).

Conditions:
WWOX-related disorder. Also called: WWOX-related condition.

gnomAD v4.1: 1 of 1,614,188 alleles (0.000062%); highest among the groups gnomAD compares: Non-Finnish European, 0.000085%; no homozygotes.

Submission:

PreventionGenetics, part of Exact Sciences
Classification: Uncertain significance for WWOX-related condition. Last evaluated: 2026-09-10. Review status: criteria provided, single submitter. Criteria: ACMG Guidelines, 2015. Collection method: clinical testing. Allele origin: germline.
Comment: The WWOX c.986C>G variant is predicted to result in the amino acid substitution p.Ser329Cys. To our knowledge, this variant has not been reported in the literature or in a large population database (gnomAD), indicating this variant is rare. At this time, the clinical significance of this variant is uncertain due to the absence of conclusive functional and genetic evidence.

NM_016373.4(WWOX):c.986C>G (p.Ser329Cys)

Gene: WWOX (WW domain containing oxidoreductase; plus strand). Cytogenetic location: 16q23.1.
Variant type: single nucleotide variant.
Coding change: c.986C>G on transcript NM_016373.4 (MANE Select); coding-DNA position 986, C replaced by G.
Protein change: p.Ser329Cys; replaces serine 329 with cysteine.
Molecular consequence: missense variant.
Genome position (GRCh38, 1-based): chr16:78,432,682, C>G. VCF-style: chr16-78432682-C-G. GRCh37 (hg19) VCF-style: chr16-78466579-C-G.
Other names: c.647C>G, p.Ser216Cys (NM_001291997.2); short protein forms S216C, S329C.
Identifiers: ClinVar variation 4988111 (VCV004988111.1).